The following is an entry in ClinVar:

ClinVar aggregate classification (germline): Benign. Review status: criteria provided, multiple submitters, no conflicts (2 of 4 stars). 12 submissions from 10 submitters: Benign (9). 3 of the submissions do not count toward it. Last evaluated 2026-02-04.

Conditions:
Blepharophimosis - intellectual disability syndrome, MKB type. Also called: BLEPHAROPHIMOSIS-MENTAL RETARDATION SYNDROME, MAAT-KIEVIT-BRUNNER TYPE; X-Linked Ohdo Syndrome (XLOS); Ohdo syndrome, X-linked. Identifiers: Orphanet 293707, MedGen C3698541, MONDO:0010477, OMIM 300895.
FG syndrome 1 (OKS). Also called: OPITZ-KAVEGGIA SYNDROME; KELLER SYNDROME; FG Syndrome Type 1 (FGS1); MENTAL RETARDATION, LARGE HEAD, IMPERFORATE ANUS, CONGENITAL HYPOTONIA, AND PARTIAL AGENESIS OF CORPUS CALLOSUM. Identifiers: Orphanet 93932, MedGen C5399762, MONDO:0010590, OMIM 305450.
X-linked intellectual disability with marfanoid habitus. Also called: X-linked mental retardation with marfanoid habitus syndrome; INTELLECTUAL DEVELOPMENTAL DISORDER, X-LINKED, SYNDROMIC, LUJAN-FRYNS TYPE; Lujan Syndrome (LS); Lujan Syndrome. Identifiers: Orphanet 776, MedGen C0796022, MONDO:0010655, OMIM 309520.
FG syndrome (FGS). Identifiers: MedGen C0220769, MONDO:0002010.

Allele frequency attached by ClinVar (database versions not stated): 1000 Genomes Project 0.11417; 1000 Genomes Project 30x 0.11821; TOPMed 0.21283; gnomAD 0.21999 and 0.22423; ExAC 0.22298; gnomAD exomes 0.22468 and 0.28821; ESP Exome Variant Server 0.23677.
gnomAD v4.1: 339,695 of 1,204,692 alleles (28%); highest among the groups gnomAD compares: Middle Eastern, 41%; 36,280 homozygotes.

Submissions (12):

Labcorp Genetics (formerly Invitae), Labcorp
Classification: Benign for FG syndrome. Last evaluated: 2026-02-04. Review status: criteria provided, single submitter. Criteria: Invitae Variant Classification Sherloc (09022015). Collection method: clinical testing. Allele origin: germline.

Blueprint Genetics
Classification: Benign. Last evaluated: 2024-11-28. Review status: criteria provided, single submitter. Criteria: ACMG Guidelines, 2015. Collection method: clinical testing. Allele origin: germline.

Mayo Clinic Laboratories, Mayo Clinic
Classification: Benign. Last evaluated: 2022-04-26. Review status: criteria provided, single submitter. Criteria: ACMG Guidelines, 2015. Collection method: clinical testing. Allele origin: germline. Observed: 293 variant alleles.

Genome-Nilou Lab
Classification: Benign for X-linked intellectual disability with marfanoid habitus. Last evaluated: 2021-09-05. Review status: criteria provided, single submitter. Criteria: ACMG Guidelines, 2015. Collection method: clinical testing. Allele origin: germline. Affected: no.

Genome-Nilou Lab
Classification: Benign for Blepharophimosis - intellectual disability syndrome, MKB type. Last evaluated: 2021-09-05. Review status: criteria provided, single submitter. Criteria: ACMG Guidelines, 2015. Collection method: clinical testing. Allele origin: germline. Affected: no.

Genome-Nilou Lab
Classification: Benign for FG syndrome 1. Last evaluated: 2021-09-05. Review status: criteria provided, single submitter. Criteria: ACMG Guidelines, 2015. Collection method: clinical testing. Allele origin: germline. Affected: no.

Eurofins Ntd Llc (ga)
Classification: Benign. Last evaluated: 2014-01-14. Review status: criteria provided, single submitter. Criteria: EGL Classification Definitions 2015. Collection method: clinical testing. Allele origin: germline. Observed: 12 variant alleles, 1 heterozygote, 1 homozygote, 10 hemizygotes.

Breakthrough Genomics
Classification: Benign. Review status: criteria provided, single submitter. Criteria: ACMG Guidelines, 2015. Collection method: not provided. Allele origin: germline. Inheritance: X-linked inheritance. Affected: yes.

PreventionGenetics, part of Exact Sciences
Classification: Benign. Review status: criteria provided, single submitter. Criteria: ACMG Guidelines, 2015. Collection method: clinical testing. Allele origin: germline.

Diagnostic Laboratory, Department of Genetics, University Medical Center Groningen
Classification: Benign. Review status: no assertion criteria provided. Collection method: clinical testing. Allele origin: germline. Affected: yes. Study: VKGL Data-share Consensus. Not counted in ClinVar's aggregate classification.

Genetic Services Laboratory, University of Chicago
Classification: Likely benign for AllHighlyPenetrant. Review status: no assertion criteria provided. Collection method: clinical testing. Allele origin: germline. Inheritance: X-linked inheritance. Not counted in ClinVar's aggregate classification.
Comment: Likely benign based on allele frequency in 1000 Genomes Project or ESP global frequency and its presence in a patient with a rare or unrelated disease phenotype. NOT Sanger confirmed.

Joint Genome Diagnostic Labs from Nijmegen and Maastricht, Radboudumc and MUMC+
Classification: Benign. Review status: no assertion criteria provided. Collection method: clinical testing. Allele origin: germline. Affected: yes. Study: VKGL Data-share Consensus. Not counted in ClinVar's aggregate classification.

NM_005120.3(MED12):c.736-8A>C

Gene: MED12 (mediator complex subunit 12; plus strand). Cytogenetic location: Xq13.1.
Variant type: single nucleotide variant.
Coding change: c.736-8A>C on transcript NM_005120.3 (MANE Select); 8 bases into the intron before coding-DNA position 736, A replaced by C.
Molecular consequence: intron variant.
Genome position (GRCh38, 1-based): chrX:71,121,319, A>C. VCF-style: chrX-71121319-A-C. GRCh37 (hg19) VCF-style: chrX-70341169-A-C.
Other names: p.?.
Identifiers: ClinVar variation 95257 (VCV000095257.31), dbSNP rs62609586, ClinGen allele CA285649.
Genomic context (GRCh38, chrX:71,121,319, plus strand): 5'-TCATCTTTTCATTTACTTTATCTGCTTCATCTCTAATAGTCCCCTCTTCCCTCCCCTGGT[A>C]CCCATAGGATGGAATGCTGGACAGACATGAGTTCCTGACCTGGGTGCTTGAGTGTTTTGA-3'